The following is an entry in ClinVar:

ClinVar aggregate classification (germline): Uncertain significance (1 of 4 stars; one submission).

Allele frequency attached by ClinVar (database versions not stated): gnomAD 0.00001 and 0.00003.
gnomAD v4.1: 1 of 1,613,858 alleles (0.000062%); highest among the groups gnomAD compares: African/African-American, 0.0013%; no homozygotes.

Submission:

GeneDx
Classification: Uncertain significance. Last evaluated: 2016-12-29. Review status: criteria provided, single submitter. Criteria: GeneDx Variant Classification (06012015). Collection method: clinical testing. Allele origin: germline. Affected: yes.
Comment: A variant of uncertain significance has been identified in the DOLK gene. The A302V variant has not been published as a pathogenic variant, nor has it been reported as a benign variant to our knowledge. This variant was not observed in approximately 6,500 individuals of European and African American ancestry in the NHLBI Exome Sequencing Project, indicating it is not a common benign variant in these populations. However, the A302V variant is a conservative amino acid substitution, which is not likely to impact secondary protein structure as these residues share similar properties. This substitution occurs at a position that is not conserved across species, and Valine is the wild-type amino acid at this position in at least three species. Furthermore, in silico analysis predicts this variant likely does not alter the protein structure/function.Therefore, based on the currently available information, it is unclear whether this variant is pathogenic or benign.

NM_014908.4(DOLK):c.905C>T (p.Ala302Val)

Gene: DOLK (dolichol kinase; minus strand). Cytogenetic location: 9q34.11.
Variant type: single nucleotide variant.
Coding change: c.905C>T on transcript NM_014908.4 (MANE Select); coding-DNA position 905, C replaced by T.
Protein change: p.Ala302Val; replaces alanine 302 with valine.
Molecular consequence: missense variant.
Genome position (GRCh38, 1-based): chr9:128,946,399, G>A on the plus strand (C>T on the coding strand, the complement: DOLK is on the minus strand). VCF-style: chr9-128946399-G-A. GRCh37 (hg19) VCF-style: chr9-131708678-G-A.
Other names: short protein forms A302V.
Identifiers: ClinVar variation 392257 (VCV000392257.2), dbSNP rs1057524413, ClinGen allele CA16605531.
Genomic context (GRCh38, chr9:128,946,399, plus strand): 5'-CGCTTGGCATTCTGGTACAGCACCACCAGGCAGGCCAAGGTGGCCAGCAGAGACCAATAG[G>A]CTAGGAGGTAGATGCGGGTGTCTGTCTGGAAGAGAAACTGAAGAAGCCAGAGCAGGGGAT-3'
Protein context (NP_055723.1, residues 292-312): FQTDTRIYLL[Ala302Val]YWSLLATLAC